The following is an entry in ClinVar:

NM_000138.5(FBN1):c.7398C>G (p.Tyr2466Ter)

Gene: FBN1 (fibrillin 1; minus strand). Cytogenetic location: 15q21.1.
Variant type: single nucleotide variant.
Coding change: c.7398C>G on transcript NM_000138.5 (MANE Select); coding-DNA position 7398, C replaced by G.
Protein change: p.Tyr2466Ter; replaces tyrosine 2466 with a stop codon.
Molecular consequence: nonsense.
Genome position (GRCh38, 1-based): chr15:48,425,424, G>C on the plus strand (C>G on the coding strand, the complement: FBN1 is on the minus strand). VCF-style: chr15-48425424-G-C. GRCh37 (hg19) VCF-style: chr15-48717621-G-C.
Other names: short protein forms Y2466*.
Identifiers: ClinVar variation 569834 (VCV000569834.8), dbSNP rs1555394402, ClinGen allele CA392327798.
Genomic context (GRCh38, chr15:48,425,424, plus strand): 5'-TTTACCTTTGCAGCTCCTTCCATCCTCTTGCAGAATGTAGCCTTTCGGGCATGAACACTG[G>C]TAACTCCCTTCTGTGTTTTTGCAGATAAAATTGCAGGGTTTGGGAGCCTGGTTGCACTCG-3'

ClinVar aggregate classification (germline): Pathogenic (1 of 4 stars; one submission).

Conditions:
Familial thoracic aortic aneurysm and aortic dissection (TAAD). Also called: Thoracic aortic aneurysms and dissections. Identifiers: Orphanet 91387, MedGen C4707243, MONDO:0019625.
Marfan syndrome (MFS). Also called: FBN1-Related Marfan Syndrome; Marfan syndrome type 1; Marfan's syndrome; Marfan syndrome, classic; MARFAN SYNDROME, TYPE I. Identifiers: Orphanet 284963, Orphanet 558, MedGen C0024796, MONDO:0007947, OMIM 154700.

Submission:

Labcorp Genetics (formerly Invitae), Labcorp
Classification: Pathogenic for Marfan syndrome; Familial thoracic aortic aneurysm and aortic dissection. Last evaluated: 2022-06-10. Review status: criteria provided, single submitter. Criteria: Invitae Variant Classification Sherloc (09022015). Collection method: clinical testing. Allele origin: germline.
Comment: For these reasons, this variant has been classified as Pathogenic. ClinVar contains an entry for this variant (Variation ID: 569834). This premature translational stop signal has been observed in individual(s) with Marfan syndrome (PMID: 12161601). This variant is not present in population databases (gnomAD no frequency). This sequence change creates a premature translational stop signal (p.Tyr2466*) in the FBN1 gene. It is expected to result in an absent or disrupted protein product. Loss-of-function variants in FBN1 are known to be pathogenic (PMID: 17657824, 19293843).

Literature cited by the submitters: PubMed 12161601; PubMed 17657824; PubMed 19293843.